The following is an entry in ClinVar:

NM_000518.4(HBB):c.220G>A (p.Asp74Asn)

Genes: HBB (hemoglobin subunit beta; minus strand), LOC106099062 (HBB recombination region; plus strand), LOC107133510 (origin of replication at HBB; plus strand). Cytogenetic location: 11p15.4.
Variant type: single nucleotide variant.
Coding change: c.220G>A on transcript NM_000518.4; coding-DNA position 220, G replaced by A.
Protein change: p.Asp74Asn; replaces aspartic acid 74 with asparagine.
Molecular consequence: missense variant (on NM_000518.5).
Genome position (GRCh38, 1-based): chr11:5,226,672, C>T on the plus strand (G>A on the coding strand, the complement: HBB is on the minus strand). VCF-style: chr11-5226672-C-T. GRCh37 (hg19) VCF-style: chr11-5247902-C-T.
Other names: D73N; c.220G>A, p.Asp74Asn (NM_000518.5); short protein forms D74N.
Identifiers: ClinVar variation 15244 (VCV000015244.24), dbSNP rs33945705, ClinGen allele CA124991.
Genomic context (GRCh38, chr11:5,226,672, plus strand): 5'-AGTGCAGCTCACTCAGTGTGGCAAAGGTGCCCTTGAGGTTGTCCAGGTGAGCCAGGCCAT[C>T]ACTAAAGGCACCGAGCACTTTCTTGCCATGAGCCTTCACCTTAGGGTTGCCCATAACAGC-3'
Protein context (NP_000509.1, residues 64-84): HGKKVLGAFS[Asp74Asn]GLAHLDNLKG

ClinVar aggregate classification (germline): Conflicting classifications of pathogenicity. Review status: criteria provided, conflicting classifications (1 of 4 stars). 6 submissions from 6 submitters: Uncertain significance (1); Likely benign (3). 2 of the submissions do not count toward it. Last evaluated 2025-07-10.

Conditions:
beta Thalassemia (BTHAL). Also called: Cooley's anemia; Erythroblastic anemia; Mediterranean anemia. Identifiers: Orphanet 848, MedGen C0005283, MONDO:0019402. Disease mechanism: loss of function.
HEMOGLOBIN KORLE-BU.

Allele frequency attached by ClinVar (database versions not stated): gnomAD 0.00003 and 0.00005; gnomAD exomes below 0.00001 and 0.00001; ExAC 0.00001; TOPMed 0.00002.
gnomAD v4.1: 11 of 1,614,004 alleles (0.00068%); highest among the groups gnomAD compares: African/African-American, 0.012%; no homozygotes.

Submissions (6):

Women's Health and Genetics/Laboratory Corporation of America, LabCorp
Classification: Likely benign. Last evaluated: 2025-07-10. Review status: criteria provided, single submitter. Criteria: LabCorp Variant Classification Summary - May 2015. Collection method: clinical testing. Allele origin: germline.
Comment: Variant summary: HBB c.220G>A (p.Asp74Asn) results in a conservative amino acid change in the encoded protein sequence. Algorithms developed to predict the effect of missense changes on protein structure and function all suggest that this variant is likely to be tolerated. The variant allele was found at a frequency of 1.2e-05 in 251420 control chromosomes, predominantly at a frequency of 0.00012 within the African or African-American subpopulation in the gnomAD database. The available data on variant occurrences in the general population are insufficient to allow any conclusion about variant significance. c.220G>A is also known as Hb G-Accra or Hb Korle-Bu when found in isolation, and as Hb C-Harlem or Hb C-Georgetown when found in cis with the Hb S mutation. When present in homozygosity, this variant reportedly does not cause hemoglobinopathy, and is considered an unusual hemoglobin rather than an abnormal/harmful hemoglobin (Boi-Doku_1964, Konotey_1968). In compound heterozygosity with HbS, HbC or beta-thal mutations, the variant of interest reportedly causes no apparent sickness and leads to a sickle-cell trait (when in compound heterozygosity with HbS) rather than sickle-cell disease, HbC disease or beta thalassemia, and does not seem to aggravate the mild status of beta thalassemia heterozygosity (Akl_2009, Chico_2004, Huisman_1997, Konotey_1968, van der Padt_2005, Bowling_2024). Three publications report experimental evidence evaluating an impact on protein function, however, none of these studies allows convincing conclusions about the variant effect (Bookchin_1967, Nagel_1993, Ivanova_2001). The following publications have been ascertained in the context of this evaluation (PMID: 19758965, 14197371, 6016610, 15333505, 893136, 21733559, 9342003, 700140, 11734002, 22244832, 5722880, 2930724, 15543018, 1148394, 7691242, 27521862, 31553106, 974261, 19958198, 16370487, 38993734). ClinVar contains an entry for this variant (Variation ID: 15244). Based on the evidence outlined above, the variant was classified as likely benign.

ARUP Laboratories, Molecular Genetics and Genomics, ARUP Laboratories
Classification: Likely benign. Last evaluated: 2025-02-20. Review status: criteria provided, single submitter. Criteria: ARUP Molecular Germline Variant Investigation Process 2024. Collection method: clinical testing. Allele origin: germline.
Comment: The Hb G-Accra or Hb Korle Bu (HBB: c.220G>A; p.Asp74Asn, also known as Asp73Asn when numbered from the mature protein, rs33945705, HbVar ID: 383, ClinVar variation ID: 15244), is reported in the literature in individuals in combination with pathogenic HBB variants (Hb S and Hb C), and in both cases, did not alter the clinical symptoms of the individuals (Konotey-Ahulu 1968, Nagel 1993). An individual homozygous for this variant also showed no clinical symptoms or defects in red blood cells (Lehmann 1964). This variant is found in the general population with an overall allele frequency of 0.0014% (4/282800 alleles) in the Genome Aggregation Database (v2.1.1). Computational analyses are uncertain whether this variant is neutral or deleterious (REVEL: 0.348). Based on available information, the Hb G-Accra variant is considered to be likely benign. References: Link to HbVar database: Konotey-Ahulu F et al. Haemoglobin Korle-Bu (beta 73 aspartic acid replaced by asparagine) showing one of the two amino acid substitutions of haemoglobin C Harlem. J Med Genet. 1968; 5(2):107-11. PMID: 5722880. Lehmann H et al. Haemoglobin GACCRA. Nature. 1964; 203:363-5. PMID: 14197371. Nagel R et al. Compound heterozygosity for hemoglobin C and Korle-Bu: moderate microcytic hemolytic anemia and acceleration of crystal formation Blood. 1993; 82(6):1907-12. PMID: 7691242.

Revvity Omics, Revvity
Classification: Uncertain significance. Last evaluated: 2024-04-03. Review status: criteria provided, single submitter. Criteria: ACMG Guidelines, 2015. Collection method: clinical testing. Allele origin: germline.

Quest Diagnostics Nichols Institute San Juan Capistrano
Classification: Likely benign. Last evaluated: 2023-04-13. Review status: criteria provided, single submitter. Criteria: Quest Diagnostics criteria. Collection method: clinical testing. Allele origin: unknown.

Natera, Inc.
Classification: Likely benign for Beta thalassemia. Last evaluated: 2021-01-22. Review status: no assertion criteria provided. Collection method: clinical testing. Allele origin: germline. Not counted in ClinVar's aggregate classification.

OMIM
Classification: other for HEMOGLOBIN KORLE-BU. Last evaluated: 2017-12-12. Review status: no assertion criteria provided. Collection method: literature only. Allele origin: germline. Not counted in ClinVar's aggregate classification.

Literature cited by the submitters: PubMed 15543018 (cited by Women's Health and Genetics/Laboratory Corporation of America, LabCorp); PubMed 7691242 (cited by 3 submitters); PubMed 2930724 (cited by Women's Health and Genetics/Laboratory Corporation of America, LabCorp); PubMed 700140 (cited by Women's Health and Genetics/Laboratory Corporation of America, LabCorp); PubMed 893136 (cited by Women's Health and Genetics/Laboratory Corporation of America, LabCorp); PubMed 1148394 (cited by Women's Health and Genetics/Laboratory Corporation of America, LabCorp); PubMed 5722880 (cited by Women's Health and Genetics/Laboratory Corporation of America, LabCorp and OMIM); PubMed 6016610 (cited by Women's Health and Genetics/Laboratory Corporation of America, LabCorp); PubMed 974261 (cited by Women's Health and Genetics/Laboratory Corporation of America, LabCorp); PubMed 14197371 (cited by Women's Health and Genetics/Laboratory Corporation of America, LabCorp); PubMed 15333505 (cited by Women's Health and Genetics/Laboratory Corporation of America, LabCorp); PubMed 21733559 (cited by Women's Health and Genetics/Laboratory Corporation of America, LabCorp); PubMed 9342003 (cited by Women's Health and Genetics/Laboratory Corporation of America, LabCorp); PubMed 11734002 (cited by Women's Health and Genetics/Laboratory Corporation of America, LabCorp); PubMed 22244832 (cited by Women's Health and Genetics/Laboratory Corporation of America, LabCorp); PubMed 16370487 (cited by Women's Health and Genetics/Laboratory Corporation of America, LabCorp); PubMed 19958198 (cited by Women's Health and Genetics/Laboratory Corporation of America, LabCorp); PubMed 19758965 (cited by Women's Health and Genetics/Laboratory Corporation of America, LabCorp and Quest Diagnostics Nichols Institute San Juan Capistrano); PubMed 27521862 (cited by Women's Health and Genetics/Laboratory Corporation of America, LabCorp and Quest Diagnostics Nichols Institute San Juan Capistrano); PubMed 31553106 (cited by Women's Health and Genetics/Laboratory Corporation of America, LabCorp and Quest Diagnostics Nichols Institute San Juan Capistrano); PubMed 38993734 (cited by Women's Health and Genetics/Laboratory Corporation of America, LabCorp); PubMed 30604644 (cited by Quest Diagnostics Nichols Institute San Juan Capistrano); PubMed 26544676 (cited by Quest Diagnostics Nichols Institute San Juan Capistrano); PubMed 26901597 (cited by Quest Diagnostics Nichols Institute San Juan Capistrano); PubMed 27521855 (cited by Quest Diagnostics Nichols Institute San Juan Capistrano); PubMed 19429541 (cited by Quest Diagnostics Nichols Institute San Juan Capistrano); PubMed 5619995 (cited by Quest Diagnostics Nichols Institute San Juan Capistrano); PubMed 8494004 (cited by Quest Diagnostics Nichols Institute San Juan Capistrano); PubMed 14370233 (cited by Quest Diagnostics Nichols Institute San Juan Capistrano); PubMed 24957539 (cited by Quest Diagnostics Nichols Institute San Juan Capistrano); PubMed 6671904 (cited by OMIM).